The following is an entry in ClinVar:

ClinVar aggregate classification (germline): Likely benign (0 of 4 stars; one submission).

Conditions:
EPHB2-related disorder. Also called: EPHB2-related condition.

Allele frequency attached by ClinVar (database versions not stated): gnomAD 0.00003; TOPMed 0.00003; ExAC 0.00005.
gnomAD v4.1: 43 of 1,599,462 alleles (0.0027%); highest among the groups gnomAD compares: East Asian, 0.025%; no homozygotes.

Submission:

PreventionGenetics, part of Exact Sciences
Classification: Likely benign for EPHB2-related condition. Last evaluated: 2019-03-12. Review status: no assertion criteria provided. Collection method: clinical testing. Allele origin: germline.
Comment: This variant is classified as likely benign based on ACMG/AMP sequence variant interpretation guidelines (Richards et al. 2015 PMID: 25741868, with internal and published modifications).

NM_017449.5(EPHB2):c.*291C>T

Gene: EPHB2 (EPH receptor B2; plus strand). Cytogenetic location: 1p36.12.
Variant type: single nucleotide variant.
Coding change: c.*291C>T on transcript NM_017449.5 (MANE Select); 291 bases downstream of the stop codon, C replaced by T.
Molecular consequence: 3 prime UTR variant. On other transcripts: synonymous variant (1).
Genome position (GRCh38, 1-based): chr1:22,913,861, C>T. VCF-style: chr1-22913861-C-T. GRCh37 (hg19) VCF-style: chr1-23240354-C-T.
Other names: c.*291C>T (NM_001309192.2, NM_004442.7); c.3159C>T, p.Cys1053= (NM_001309193.2).
Identifiers: ClinVar variation 3057712 (VCV003057712.2), dbSNP rs761622826, ClinGen allele CA679215.